The following is an entry in ClinVar:

ClinVar aggregate classification (germline): Benign. Review status: criteria provided, multiple submitters, no conflicts (2 of 4 stars). 2 submissions from 2 submitters: Benign (2). Last evaluated 2018-06-14.

Allele frequency attached by ClinVar (database versions not stated): TOPMed 0.13642; gnomAD 0.14802; 1000 Genomes Project 30x 0.19066; 1000 Genomes Project 0.19848.
gnomAD v4.1: 125,484 of 719,010 alleles (17%); highest among the groups gnomAD compares: South Asian, 32%; 12,806 homozygotes.

Submissions (2):

GeneDx
Classification: Benign. Last evaluated: 2018-06-14. Review status: criteria provided, single submitter. Criteria: GeneDx Variant Classification (06012015). Collection method: clinical testing. Allele origin: germline. Affected: yes.
Comment: This variant is considered likely benign or benign based on one or more of the following criteria: it is a conservative change, it occurs at a poorly conserved position in the protein, it is predicted to be benign by multiple in silico algorithms, and/or has population frequency not consistent with disease.

Breakthrough Genomics
Classification: Benign. Review status: criteria provided, single submitter. Criteria: ACMG Guidelines, 2015. Collection method: not provided. Allele origin: germline. Inheritance: Autosomal recessive inheritance. Affected: yes.

NM_006767.4(LZTR1):c.509+102C>T

Gene: LZTR1 (leucine zipper like post translational regulator 1; plus strand). Cytogenetic location: 22q11.21.
Variant type: single nucleotide variant.
Coding change: c.509+102C>T on transcript NM_006767.4 (MANE Select); 102 bases into the intron after coding-DNA position 509, C replaced by T.
Molecular consequence: intron variant.
Genome position (GRCh38, 1-based): chr22:20,988,220, C>T. VCF-style: chr22-20988220-C-T. GRCh37 (hg19) VCF-style: chr22-21342509-C-T.
Identifiers: ClinVar variation 561402 (VCV000561402.2), dbSNP rs2269779, ClinGen allele CA14934940.